The following is an entry in ClinVar:

ClinVar aggregate classification (germline): Uncertain significance (1 of 4 stars; one submission).

Allele frequency attached by ClinVar (database versions not stated): TOPMed below 0.00001; gnomAD 0.00001; gnomAD exomes 0.00001; 1000 Genomes Project 30x 0.00016.
gnomAD v4.1: 14 of 1,613,622 alleles (0.00087%); highest among the groups gnomAD compares: East Asian, 0.029%; no homozygotes.

Submission:

Labcorp Genetics (formerly Invitae), Labcorp
Classification: Uncertain significance. Last evaluated: 2022-09-23. Review status: criteria provided, single submitter. Criteria: Invitae Variant Classification Sherloc (09022015). Collection method: clinical testing. Allele origin: germline.
Comment: This sequence change replaces tyrosine, which is neutral and polar, with cysteine, which is neutral and slightly polar, at codon 656 of the ACAN protein (p.Tyr656Cys). This variant is present in population databases (no rsID available, gnomAD 0.05%). This variant has not been reported in the literature in individuals affected with ACAN-related conditions. Advanced modeling of protein sequence and biophysical properties (such as structural, functional, and spatial information, amino acid conservation, physicochemical variation, residue mobility, and thermodynamic stability) performed at Invitae indicates that this missense variant is not expected to disrupt ACAN protein function. In summary, the available evidence is currently insufficient to determine the role of this variant in disease. Therefore, it has been classified as a Variant of Uncertain Significance.

NM_001369268.1(ACAN):c.1967A>G (p.Tyr656Cys)

Gene: ACAN (aggrecan; plus strand). Cytogenetic location: 15q26.1.
Variant type: single nucleotide variant.
Coding change: c.1967A>G on transcript NM_001369268.1 (MANE Select); coding-DNA position 1967, A replaced by G.
Protein change: p.Tyr656Cys; replaces tyrosine 656 with cysteine.
Molecular consequence: missense variant.
Genome position (GRCh38, 1-based): chr15:88,849,672, A>G. VCF-style: chr15-88849672-A-G. GRCh37 (hg19) VCF-style: chr15-89392903-A-G.
Other names: c.1967A>G, p.Tyr656Cys (NM_001135.4, NM_001411096.1, NM_001411097.1 and 1 more transcripts); short protein forms Y656C.
Identifiers: ClinVar variation 1966315 (VCV001966315.5), dbSNP rs983625315, ClinGen allele CA274475720.